The following is an entry in ClinVar:

ClinVar aggregate classification (germline): Conflicting classifications of pathogenicity. Review status: criteria provided, conflicting classifications (1 of 4 stars). 5 submissions from 5 submitters: Pathogenic (1); Uncertain significance (3). 1 of the submissions does not count toward it. Last evaluated 2022-06-04.

Conditions:
Inborn genetic diseases. Identifiers: MedGen C0950123, MeSH D030342.
Neuronal ceroid lipofuscinosis. Also called: Neuronal Ceroid Lipofuscinoses. Identifiers: Orphanet 216, Orphanet 79263, MedGen C0027877, MONDO:0016295. Disease mechanism: loss of function.
Neuronal ceroid lipofuscinosis 5 (CLN5). Also called: Neuronal ceroid lipofuscinosis Finnish variant; NEURONAL CEROID LIPOFUSCINOSIS, LATE INFANTILE, FINNISH VARIANT; CLN5-Related Neuronal Ceroid-Lipofuscinosis; CEROID LIPOFUSCINOSIS, NEURONAL, 5, VARIABLE AGE AT ONSET. Identifiers: Orphanet 168491, Orphanet 228360, MedGen C1850442, MONDO:0009745, OMIM 256731.

Submissions (5):

Labcorp Genetics (formerly Invitae), Labcorp
Classification: Uncertain significance for Neuronal ceroid lipofuscinosis. Last evaluated: 2022-06-04. Review status: criteria provided, single submitter. Criteria: Invitae Variant Classification Sherloc (09022015). Collection method: clinical testing. Allele origin: germline.
Comment: This sequence change results in a premature translational stop signal in the CLN5 gene (p.Gln18Lysfs*32). This variant occurs in the first exon of CLN5 gene where multiple in-frame downstream methionine residues are present, including a highly conserved in-frame methionine located at codon 50 which may be used as an alternative initiator codon. However, it is currently unclear if variants that occur in this region of the gene cause disease. This variant is present in population databases (rs765323914, gnomAD 0.04%). This variant has not been reported in the literature in individuals affected with CLN5-related conditions. ClinVar contains an entry for this variant (Variation ID: 813489). Experimental studies and prediction algorithms are not available or were not evaluated, and the functional significance of this variant is currently unknown. In summary, the available evidence is currently insufficient to determine the role of this variant in disease. Therefore, it has been classified as a Variant of Uncertain Significance.

Ambry Genetics
Classification: Uncertain significance for Inborn genetic diseases. Last evaluated: 2020-05-13. Review status: criteria provided, single submitter. Criteria: Ambry Variant Classification Scheme 2023. Collection method: clinical testing. Allele origin: germline.
Comment: The c.51delG variant, located in coding exon 1 of the CLN5 gene, results from a deletion of one nucleotide at nucleotide position 51, causing a translational frameshift with a predicted alternate stop codon (p.Q18Kfs*32). The variant has been detected in multiple individuals from a large career screening study (Haque IS et al. JAMA, 2016 Aug;316:734-42). This alteration is expected to result in loss of function by premature protein truncation or nonsense-mediated mRNA decay. However, there are in-frame methionines 29 and 49 amino acids downstream of the initiation codon, which may act as an alternative initiation codon, and the significance of the N-terminus for this protein is not well established. Since supporting evidence is limited at this time, the clinical significance of this alteration remains unclear.

CeGaT Center for Human Genetics Tuebingen
Classification: Pathogenic. Last evaluated: 2020-04-01. Review status: criteria provided, single submitter. Criteria: CeGaT Center For Human Genetics Tuebingen Variant Classification Criteria Version 2. Collection method: clinical testing. Allele origin: germline. Affected: yes. Observed: 1 variant allele.

Baylor Genetics
Classification: Uncertain significance for Neuronal ceroid lipofuscinosis 5. Review status: criteria provided, single submitter. Criteria: ACMG Guidelines, 2015. Collection method: clinical testing. Allele origin: unknown.

Natera, Inc.
Classification: Uncertain significance for Neuronal ceroid lipofuscinosis. Last evaluated: 2020-03-13. Review status: no assertion criteria provided. Collection method: clinical testing. Allele origin: germline. Not counted in ClinVar's aggregate classification.

Literature cited by the submitters: PubMed 27533158 (cited by Ambry Genetics).

NM_006493.4(CLN5):c.-97del

Gene: CLN5 (CLN5 lysosomal BMP synthase; plus strand). Cytogenetic location: 13q22.3.
Variant type: Deletion.
Coding change: c.-97del on transcript NM_006493.4 (MANE Select); 97 bases upstream of the start codon, one base deleted (G; older notation c.-97delG).
Genome position (GRCh38, 1-based): chr13:76,992,002, G deleted; the last of 4 consecutive G bases (chr13:76,991,999-76,992,002); deleting any one gives the same sequence. VCF-style (leftmost placement, unchanged base first): chr13-76991998-AG-A. GRCh37 (hg19) VCF-style: chr13-77566133-AG-A.
Other names: c.51delG (NM_006493.2).
Identifiers: ClinVar variation 813489 (VCV000813489.49), dbSNP rs765323914, ClinGen allele CA7007078.